The following is an entry in ClinVar:

NM_012144.4(DNAI1):c.155del (p.Pro52fs)

Gene: DNAI1 (dynein axonemal intermediate chain 1; plus strand). Cytogenetic location: 9p13.3.
Variant type: Deletion.
Coding change: c.155del on transcript NM_012144.4 (MANE Select); coding-DNA position 155, one base deleted (C; older notation c.155delC).
Protein change: p.Pro52fs; shifts the reading frame from proline 52.
Molecular consequence: frameshift variant.
Genome position (GRCh38, 1-based): chr9:34,485,215, C deleted; the last of 5 consecutive C bases (chr9:34,485,211-34,485,215); deleting any one gives the same sequence. VCF-style (leftmost placement, unchanged base first): chr9-34485210-AC-A. GRCh37 (hg19) VCF-style: chr9-34485208-AC-A.
Other names: c.155delC (NM_012144.3); c.155del, p.Pro52fs (NM_001281428.2); short protein forms P52fs.
Identifiers: ClinVar variation 4691168 (VCV004691168.2).

ClinVar aggregate classification (germline): Pathogenic/Likely pathogenic. Review status: criteria provided, multiple submitters, no conflicts (2 of 4 stars). 2 submissions from 2 submitters: Pathogenic (1); Likely pathogenic (1). Last evaluated 2025-11-10.

Conditions:
Primary ciliary dyskinesia. Also called: Ciliary dyskinesia. Identifiers: Orphanet 244, MedGen C0008780, MONDO:0016575, HP:0012265.

Submissions (2):

Labcorp Genetics (formerly Invitae), Labcorp
Classification: Pathogenic for Primary ciliary dyskinesia. Last evaluated: 2025-11-10. Review status: criteria provided, single submitter. Criteria: Invitae Variant Classification Sherloc (09022015). Collection method: clinical testing. Allele origin: germline.
Comment: This sequence change creates a premature translational stop signal (p.Pro52Leufs*6) in the DNAI1 gene. It is expected to result in an absent or disrupted protein product. Loss-of-function variants in DNAI1 are known to be pathogenic (PMID: 16858015, 29363216). This variant is not present in population databases (gnomAD no frequency). This variant has not been reported in the literature in individuals affected with DNAI1-related conditions. For these reasons, this variant has been classified as Pathogenic.

Natera, Inc.
Classification: Likely pathogenic for Primary ciliary dyskinesia. Last evaluated: 2024-02-26. Review status: criteria provided, single submitter. Criteria: Natera Variant Classification Schema (03/2026). Collection method: clinical testing. Allele origin: germline.
Comment: The c.155delC variant in DNAI1 is a frameshift variant predicted to shift the reading frame beginning at codon 52 and leads to a stop codon 6 codons downstream. This variant is expected to result in nonsense mediated decay, truncation, or a dysfunctional protein product. This variant is rare in the general population with a frequency below the threshold expected for the associated phenotype(s). Given the available evidence, this variant is classified as Likely Pathogenic.

Literature cited by the submitters: PubMed 16858015 (cited by Labcorp Genetics (formerly Invitae), Labcorp); PubMed 29363216 (cited by Labcorp Genetics (formerly Invitae), Labcorp).